The following is an entry in ClinVar:

ClinVar aggregate classification (germline): Likely benign. Review status: criteria provided, multiple submitters, no conflicts (2 of 4 stars). 2 submissions from 2 submitters: Likely benign (2). Last evaluated 2018-06-14.

Allele frequency attached by ClinVar (database versions not stated): TOPMed 0.00501; gnomAD 0.00517 and 0.00532; 1000 Genomes Project 0.00639; 1000 Genomes Project 30x 0.00656; ESP Exome Variant Server 0.00661.
gnomAD v4.1: 3,483 of 1,265,384 alleles (0.28%); highest among the groups gnomAD compares: African/African-American, 1.3%; 10 homozygotes.

Submissions (7):

GeneDx
Classification: Likely benign. Last evaluated: 2018-06-14. Review status: criteria provided, single submitter. Criteria: GeneDx Variant Classification (06012015). Collection method: clinical testing. Allele origin: germline. Affected: yes.
Comment: This variant is considered likely benign or benign based on one or more of the following criteria: it is a conservative change, it occurs at a poorly conserved position in the protein, it is predicted to be benign by multiple in silico algorithms, and/or has population frequency not consistent with disease.

Breakthrough Genomics
Classification: Likely benign. Review status: criteria provided, single submitter. Criteria: ACMG Guidelines, 2015. Collection method: not provided. Allele origin: germline. Inheritance: Autosomal recessive inheritance. Affected: yes.

Dr. Peter K. Rogan Lab, Western University
No classification provided (evidence only). Condition: Lung cancer. Review status: no classification provided. Collection method: in vitro. Allele origin: not applicable. Functional consequence: retained intron. Not counted in ClinVar's aggregate classification.

Dr. Peter K. Rogan Lab, Western University
No classification provided (evidence only). Condition: Lung cancer. Review status: no classification provided. Collection method: in vitro. Allele origin: not applicable. Functional consequence: retained intron. Not counted in ClinVar's aggregate classification.

Dr. Peter K. Rogan Lab, Western University
No classification provided (evidence only). Condition: Cervical cancer. Review status: no classification provided. Collection method: in vitro. Allele origin: not applicable. Functional consequence: skipped exon. Not counted in ClinVar's aggregate classification.

Dr. Peter K. Rogan Lab, Western University
No classification provided (evidence only). Condition: Cervical cancer. Review status: no classification provided. Collection method: in vitro. Allele origin: not applicable. Functional consequence: retained intron. Not counted in ClinVar's aggregate classification.

Dr. Peter K. Rogan Lab, Western University
No classification provided (evidence only). Condition: Ovarian serous cystadenocarcinoma. Review status: no classification provided. Collection method: in vitro. Allele origin: not applicable. Functional consequence: retained intron. Not counted in ClinVar's aggregate classification.

NM_212552.3(BOLA3):c.169+28C>T

Gene: BOLA3 (bolA family member 3; minus strand). Cytogenetic location: 2p13.1.
Variant type: single nucleotide variant.
Coding change: c.169+28C>T on transcript NM_212552.3 (MANE Select); 28 bases into the intron after coding-DNA position 169, C replaced by T.
Molecular consequence: intron variant.
Genome position (GRCh38, 1-based): chr2:74,145,161, G>A on the plus strand (C>T on the coding strand, the complement: BOLA3 is on the minus strand). VCF-style: chr2-74145161-G-A. GRCh37 (hg19) VCF-style: chr2-74372288-G-A.
Other names: NC_000002.11:g.74372288G>A; c.169+28C>T (NM_001035505.2).
Identifiers: ClinVar variation 677802 (VCV000677802.3), dbSNP rs113779235, ClinGen allele CA1719482.
Genomic context (GRCh38, chr2:74,145,161, plus strand): 5'-AGCCCCCTCCTCCAAGCCCCTGACCCTCTGTCCTTCCAAAGGGCAAAATCTTATCCAAGC[G>A]CCGTAGGAAGAGTGAGAGAAACCTTACCTGAAATGTCAGTGACTTTTATAGCTGTAGCTC-3'